The following is an entry in ClinVar:

ClinVar aggregate classification (germline): Benign/Likely benign. Review status: criteria provided, multiple submitters, no conflicts (2 of 4 stars). 3 submissions from 3 submitters: Benign (1); Likely benign (1). 1 of the submissions does not count toward it. Last evaluated 2025-11-03.

Conditions:
ST14-related disorder. Also called: ST14-related condition.

Submissions (3):

Labcorp Genetics (formerly Invitae), Labcorp
Classification: Benign. Last evaluated: 2025-11-03. Review status: criteria provided, single submitter. Criteria: Invitae Variant Classification Sherloc (09022015). Collection method: clinical testing. Allele origin: germline.

Blueprint Genetics
Classification: Likely benign. Last evaluated: 2024-11-26. Review status: criteria provided, single submitter. Criteria: ACMG Guidelines, 2015. Collection method: clinical testing. Allele origin: germline.

PreventionGenetics, part of Exact Sciences
Classification: Likely benign for ST14-related condition. Last evaluated: 2023-12-26. Review status: no assertion criteria provided. Collection method: clinical testing. Allele origin: germline. Not counted in ClinVar's aggregate classification.
Comment: This variant is classified as likely benign based on ACMG/AMP sequence variant interpretation guidelines (Richards et al. 2015 PMID: 25741868, with internal and published modifications).

NM_021978.4(ST14):c.1224-8_1224-7insA

Gene: ST14 (ST14 transmembrane serine protease matriptase; plus strand). Cytogenetic location: 11q24.3.
Variant type: Insertion.
Coding change: c.1224-8_1224-7insA on transcript NM_021978.4 (MANE Select); 8 bases into the intron before coding-DNA position 1224 through 7 bases into the intron before coding-DNA position 1224, A inserted.
Molecular consequence: intron variant.
Genome position: GRCh38 VCF-style: chr11-130196562-C-CA. GRCh37 (hg19) VCF-style: chr11-130066457-C-CA.
Other names: c.1224-8_1224-7insA (NM_021978.3).
Identifiers: ClinVar variation 2849267 (VCV002849267.6), dbSNP rs779187925, ClinGen allele CA6363965.